The following is an entry in ClinVar:

ClinVar aggregate classification (germline): Pathogenic (1 of 4 stars; one submission).

Conditions:
Early-infantile DEE. Also called: Early infantile epileptic encephalopathy; Early infantile epileptic encephalopathy with suppression bursts; Ohtahara syndrome. Identifiers: Orphanet 1934, MedGen C0393706, MONDO:0800491.

Submission:

Labcorp Genetics (formerly Invitae), Labcorp
Classification: Pathogenic for Early-infantile DEE. Last evaluated: 2023-03-03. Review status: criteria provided, single submitter. Criteria: Invitae Variant Classification Sherloc (09022015). Collection method: clinical testing. Allele origin: germline.
Comment: For these reasons, this variant has been classified as Pathogenic. This sequence change replaces phenylalanine, which is neutral and non-polar, with valine, which is neutral and non-polar, at codon 1480 of the SCN8A protein (p.Phe1480Val). This variant is not present in population databases (gnomAD no frequency). This missense change has been observed in individual(s) with clinical features of SCN8A-related conditions (Invitae). In at least one individual the variant was observed to be de novo. Advanced modeling of protein sequence and biophysical properties (such as structural, functional, and spatial information, amino acid conservation, physicochemical variation, residue mobility, and thermodynamic stability) performed at Invitae indicates that this missense variant is expected to disrupt SCN8A protein function.

NM_001330260.2(SCN8A):c.4438T>G (p.Phe1480Val)

Gene: SCN8A (sodium voltage-gated channel alpha subunit 8; plus strand). Cytogenetic location: 12q13.13.
Variant type: single nucleotide variant.
Coding change: c.4438T>G on transcript NM_001330260.2 (MANE Select); coding-DNA position 4438, T replaced by G.
Protein change: p.Phe1480Val; replaces phenylalanine 1480 with valine.
Molecular consequence: missense variant.
Genome position (GRCh38, 1-based): chr12:51,790,416, T>G. VCF-style: chr12-51790416-T-G. GRCh37 (hg19) VCF-style: chr12-52184200-T-G.
Other names: c.4315T>G, p.Phe1439Val (NM_001177984.3, NM_001369788.1); c.4438T>G, p.Phe1480Val (NM_014191.4); short protein forms F1480V, F1439V.
Identifiers: ClinVar variation 2831357 (VCV002831357.3), dbSNP rs796053218, ClinGen allele CA384909039.